The following is an entry in ClinVar:

ClinVar aggregate classification (germline): Uncertain significance (1 of 4 stars; one submission).

Allele frequency attached by ClinVar (database versions not stated): gnomAD 0.00001 and 0.00002; ExAC 0.00002; gnomAD exomes 0.00002; TOPMed 0.00003.
gnomAD v4.1: 31 of 1,613,420 alleles (0.0019%); highest among the groups gnomAD compares: East Asian, 0.0045%; no homozygotes.

Submission:

Labcorp Genetics (formerly Invitae), Labcorp
Classification: Uncertain significance. Last evaluated: 2022-07-19. Review status: criteria provided, single submitter. Criteria: Invitae Variant Classification Sherloc (09022015). Collection method: clinical testing. Allele origin: germline.
Comment: In summary, the available evidence is currently insufficient to determine the role of this variant in disease. Therefore, it has been classified as a Variant of Uncertain Significance. Algorithms developed to predict the effect of missense changes on protein structure and function output the following: SIFT: "Tolerated"; PolyPhen-2: "Benign"; Align-GVGD: "Class C0". The isoleucine amino acid residue is found in multiple mammalian species, which suggests that this missense change does not adversely affect protein function. ClinVar contains an entry for this variant (Variation ID: 1523529). This variant has not been reported in the literature in individuals affected with C5-related conditions. This variant is present in population databases (rs765069093, gnomAD 0.01%). This sequence change replaces valine, which is neutral and non-polar, with isoleucine, which is neutral and non-polar, at codon 1015 of the C5 protein (p.Val1015Ile).

NM_001735.3(C5):c.3043G>A (p.Val1015Ile)

Gene: C5 (complement C5; minus strand). Cytogenetic location: 9q33.2.
Variant type: single nucleotide variant.
Coding change: c.3043G>A on transcript NM_001735.3 (MANE Select); coding-DNA position 3043, G replaced by A.
Protein change: p.Val1015Ile; replaces valine 1015 with isoleucine.
Molecular consequence: missense variant.
Genome position (GRCh38, 1-based): chr9:120,989,679, C>T on the plus strand (G>A on the coding strand, the complement: C5 is on the minus strand). VCF-style: chr9-120989679-C-T. GRCh37 (hg19) VCF-style: chr9-123751957-C-T.
Other names: c.3061G>A, p.Val1021Ile (NM_001317163.2); short protein forms V1021I, V1015I.
Identifiers: ClinVar variation 1523529 (VCV001523529.8), dbSNP rs765069093, ClinGen allele CA5217585.